The following is an entry in ClinVar:

ClinVar aggregate classification (germline): Uncertain significance. Review status: criteria provided, multiple submitters, no conflicts (2 of 4 stars). 2 submissions from 2 submitters: Uncertain significance (2). Last evaluated 2026-01-19.

Conditions:
Intellectual developmental disorder, autosomal recessive 37. Also called: Intellectual disability-hypotonia-spasticity-sleep disorder syndrome. Identifiers: Orphanet 356996, MedGen C3809672, MONDO:0014210, OMIM 615493.

Allele frequency attached by ClinVar (database versions not stated): TOPMed below 0.00001; gnomAD 0.00001; ExAC 0.00003.

Submissions (2):

Labcorp Genetics (formerly Invitae), Labcorp
Classification: Uncertain significance. Last evaluated: 2026-01-19. Review status: criteria provided, single submitter. Criteria: Invitae Variant Classification Sherloc (09022015). Collection method: clinical testing. Allele origin: germline.
Comment: This sequence change replaces serine, which is neutral and polar, with proline, which is neutral and non-polar, at codon 1487 of the ANK3 protein (p.Ser1487Pro). The frequency data for this variant in the population databases is considered unreliable, as metrics indicate poor data quality at this position in the gnomAD database. This variant has not been reported in the literature in individuals affected with ANK3-related conditions. ClinVar contains an entry for this variant (Variation ID: 1370441). Invitae Evidence Modeling of protein sequence and biophysical properties (such as structural, functional, and spatial information, amino acid conservation, physicochemical variation, residue mobility, and thermodynamic stability) indicates that this missense variant is not expected to disrupt ANK3 protein function with a negative predictive value of 80%. In summary, the available evidence is currently insufficient to determine the role of this variant in disease. Therefore, it has been classified as a Variant of Uncertain Significance.

Laboratorio de Genetica e Diagnostico Molecular, Hospital Israelita Albert Einstein
Classification: Uncertain significance for Intellectual developmental disorder, autosomal recessive 37. Last evaluated: 2023-01-05. Review status: criteria provided, single submitter. Criteria: ACMG Guidelines, 2015. Collection method: clinical testing. Allele origin: germline. Affected: yes.
Comment: ACMG classification criteria: PM2 moderated, BP4 supporting

NM_020987.5(ANK3):c.4459T>C (p.Ser1487Pro)

Gene: ANK3 (ankyrin 3; minus strand). Cytogenetic location: 10q21.2.
Variant type: single nucleotide variant.
Coding change: c.4459T>C on transcript NM_020987.5 (MANE Select); coding-DNA position 4459, T replaced by C.
Protein change: p.Ser1487Pro; replaces serine 1487 with proline.
Molecular consequence: missense variant. On other transcripts: intron variant (4).
Genome position (GRCh38, 1-based): chr10:60,076,422, A>G on the plus strand (T>C on the coding strand, the complement: ANK3 is on the minus strand). VCF-style: chr10-60076422-A-G. GRCh37 (hg19) VCF-style: chr10-61836180-A-G.
Other names: c.4387+4115T>C (NM_001204403.2); c.4408+4115T>C (NM_001204404.2); c.4405+4115T>C (NM_001320874.2); c.1807+4115T>C (NM_001149.4); short protein forms S1487P.
Identifiers: ClinVar variation 1370441 (VCV001370441.6), dbSNP rs765827508, ClinGen allele CA5512178.